The following is an entry in ClinVar:

NM_012309.5(SHANK2):c.69G>A (p.Ser23=)

Gene: SHANK2 (SH3 and multiple ankyrin repeat domains 2; minus strand). Cytogenetic location: 11q13.4.
Variant type: single nucleotide variant.
Coding change: c.69G>A on transcript NM_012309.5 (MANE Select); coding-DNA position 69, G replaced by A.
Protein change: p.Ser23=; no amino-acid change (serine 23 retained).
Molecular consequence: synonymous variant.
Genome position (GRCh38, 1-based): chr11:71,147,258, C>T on the plus strand (G>A on the coding strand, the complement: SHANK2 is on the minus strand). VCF-style: chr11-71147258-C-T. GRCh37 (hg19) VCF-style: chr11-70858304-C-T.
Other names: c.69G>A, p.Ser23= (NM_001441024.1, NM_001441025.1, NM_001441026.1 and 13 more transcripts).
Identifiers: ClinVar variation 4980883 (VCV004980883.1).

ClinVar aggregate classification (germline): Likely benign (1 of 4 stars; one submission).

Conditions:
SHANK2-related disorder.

gnomAD v4.1: 24 of 1,550,860 alleles (0.0015%); highest among the groups gnomAD compares: Admixed American, 0.002%; no homozygotes.

Submission:

PreventionGenetics, part of Exact Sciences
Classification: Likely benign for SHANK2-related condition. Last evaluated: 2026-03-31. Review status: criteria provided, single submitter. Criteria: ACMG Guidelines, 2015. Collection method: clinical testing. Allele origin: germline.
Comment: This variant is classified as likely benign based on ACMG/AMP sequence variant interpretation guidelines (Richards et al. 2015 PMID: 25741868, with internal and published modifications).